The following is an entry in ClinVar:

ClinVar aggregate classification (germline): Likely benign (0 of 4 stars; one submission).

Conditions:
BIRC6-related disorder. Also called: BIRC6-related condition.

Allele frequency attached by ClinVar (database versions not stated): gnomAD 0.00009; ExAC 0.00020; gnomAD exomes 0.00023.
gnomAD v4.1: 337 of 1,612,176 alleles (0.021%); highest among the groups gnomAD compares: East Asian, 0.74%; 4 homozygotes.

Submission:

PreventionGenetics, part of Exact Sciences
Classification: Likely benign for BIRC6-related condition. Last evaluated: 2022-03-31. Review status: no assertion criteria provided. Collection method: clinical testing. Allele origin: germline.
Comment: This variant is classified as likely benign based on ACMG/AMP sequence variant interpretation guidelines (Richards et al. 2015 PMID: 25741868, with internal and published modifications).

NM_016252.4(BIRC6):c.7094C>T (p.Thr2365Met)

Gene: BIRC6 (baculoviral IAP repeat containing 6; plus strand). Cytogenetic location: 2p22.3.
Variant type: single nucleotide variant.
Coding change: c.7094C>T on transcript NM_016252.4 (MANE Select); coding-DNA position 7094, C replaced by T.
Protein change: p.Thr2365Met; replaces threonine 2365 with methionine.
Molecular consequence: missense variant.
Genome position (GRCh38, 1-based): chr2:32,478,660, C>T. VCF-style: chr2-32478660-C-T. GRCh37 (hg19) VCF-style: chr2-32703728-C-T.
Other names: c.7091C>T, p.Thr2364Met (NM_001378125.1); short protein forms T2364M, T2365M.
Identifiers: ClinVar variation 3036023 (VCV003036023.2), dbSNP rs766592234, ClinGen allele CA1603997.